The following is an entry in ClinVar:

ClinVar aggregate classification (germline): Uncertain significance (1 of 4 stars; one submission).

Allele frequency attached by ClinVar (database versions not stated): gnomAD exomes 0.00001; ExAC 0.00002; gnomAD 0.00002; 1000 Genomes Project 30x 0.00016; 1000 Genomes Project 0.00020.
gnomAD v4.1: 10 of 1,613,390 alleles (0.00062%); highest among the groups gnomAD compares: East Asian, 0.016%; no homozygotes.

Submission:

Labcorp Genetics (formerly Invitae), Labcorp
Classification: Uncertain significance. Last evaluated: 2022-12-06. Review status: criteria provided, single submitter. Criteria: Invitae Variant Classification Sherloc (09022015). Collection method: clinical testing. Allele origin: germline.
Comment: In summary, the available evidence is currently insufficient to determine the role of this variant in disease. Therefore, it has been classified as a Variant of Uncertain Significance. Advanced modeling of protein sequence and biophysical properties (such as structural, functional, and spatial information, amino acid conservation, physicochemical variation, residue mobility, and thermodynamic stability) performed at Invitae indicates that this missense variant is not expected to disrupt NBAS protein function. ClinVar contains an entry for this variant (Variation ID: 1464515). This variant has not been reported in the literature in individuals affected with NBAS-related conditions. This variant is present in population databases (rs202020492, gnomAD 0.02%). This sequence change replaces serine, which is neutral and polar, with leucine, which is neutral and non-polar, at codon 6 of the NBAS protein (p.Ser6Leu).

NM_015909.4(NBAS):c.17C>T (p.Ser6Leu)

Genes: NBAS (NBAS subunit of NRZ tethering complex; minus strand), LOC129933155 (ATAC-STARR-seq lymphoblastoid active region 15346; plus strand). Cytogenetic location: 2p24.3.
Variant type: single nucleotide variant.
Coding change: c.17C>T on transcript NM_015909.4 (MANE Select); coding-DNA position 17, C replaced by T.
Protein change: p.Ser6Leu; replaces serine 6 with leucine.
Molecular consequence: missense variant. On other transcripts: non-coding transcript variant (1).
Genome position (GRCh38, 1-based): chr2:15,561,288, G>A on the plus strand (C>T on the coding strand, the complement: NBAS is on the minus strand). VCF-style: chr2-15561288-G-A. GRCh37 (hg19) VCF-style: chr2-15701412-G-A.
Other names: short protein forms S6L.
Identifiers: ClinVar variation 1464515 (VCV001464515.6), dbSNP rs202020492, ClinGen allele CA1537258.
Genomic context (GRCh38, chr2:15,561,288, plus strand): 5'-AAGTCATAGAGAATCGTCTCCTCCTCACCCTCTGCAGTGCCTGGACTCAAAGCCGGCCCT[G>A]ACTCGGGGGCCGCCATGTTCGCCGAGGACTCAGGCAGCGGAGGAGTGTCTCTACGGAATC-3'
Protein context (NP_056993.2, residues 1-16): MAAPE[Ser6Leu]GPALSPGTAE